The following is an entry in ClinVar:

NM_004370.6(COL12A1):c.2135C>T (p.Pro712Leu)

Gene: COL12A1 (collagen type XII alpha 1 chain; minus strand). Cytogenetic location: 6q13.
Variant type: single nucleotide variant.
Coding change: c.2135C>T on transcript NM_004370.6 (MANE Select); coding-DNA position 2135, C replaced by T.
Protein change: p.Pro712Leu; replaces proline 712 with leucine.
Molecular consequence: missense variant. On other transcripts: intron variant (1).
Genome position (GRCh38, 1-based): chr6:75,180,968, G>A on the plus strand (C>T on the coding strand, the complement: COL12A1 is on the minus strand). VCF-style: chr6-75180968-G-A. GRCh37 (hg19) VCF-style: chr6-75890684-G-A.
Other names: c.73+21752C>T (NM_080645.3); short protein forms P712L.
Identifiers: ClinVar variation 1938589 (VCV001938589.5), dbSNP rs1223920242, ClinGen allele CA364765781.
Genomic context (GRCh38, chr6:75,180,968, plus strand): 5'-CTGAATAACAGTGGCAGAAACCCCATCACACCTTCTTCGGTGGTCTCCTCTCCAGCTAAG[G>A]GAATGCTGAAGCCATCCTCATACTCCGCAGTCACATTGACCAAATACAAGGTCTCTGGCT-3'
Protein context (NP_004361.3, residues 702-722): TAEYEDGFSI[Pro712Leu]LAGEETTEEV

ClinVar aggregate classification (germline): Uncertain significance (1 of 4 stars; one submission).

Conditions:
Ullrich congenital muscular dystrophy 2 (UCMD2). Identifiers: Orphanet 75840, MedGen C4225314, MONDO:0014654, OMIM 616470.
Bethlem myopathy 2 (BTHLM2). Identifiers: Orphanet 536516, Orphanet 610, MedGen C4225313, MONDO:0034022, OMIM 616471.

Allele frequency attached by ClinVar (database versions not stated): TOPMed below 0.00001; gnomAD 0.00001.
gnomAD v4.1: 2 of 1,613,114 alleles (0.00012%); highest among the groups gnomAD compares: Non-Finnish European, 0.00017%; no homozygotes.

Submission:

Labcorp Genetics (formerly Invitae), Labcorp
Classification: Uncertain significance for Bethlem myopathy 2; Ullrich congenital muscular dystrophy 2. Last evaluated: 2026-01-12. Review status: criteria provided, single submitter. Criteria: Invitae Variant Classification Sherloc (09022015). Collection method: clinical testing. Allele origin: germline.
Comment: This sequence change replaces proline, which is neutral and non-polar, with leucine, which is neutral and non-polar, at codon 712 of the COL12A1 protein (p.Pro712Leu). This variant is not present in population databases (gnomAD no frequency). This variant has not been reported in the literature in individuals affected with COL12A1-related conditions. ClinVar contains an entry for this variant (Variation ID: 1938589). Invitae Evidence Modeling of protein sequence and biophysical properties (such as structural, functional, and spatial information, amino acid conservation, physicochemical variation, residue mobility, and thermodynamic stability) has been performed for this missense variant. However, the output from this modeling did not meet the statistical confidence thresholds required to predict the impact of this variant on COL12A1 protein function. In summary, the available evidence is currently insufficient to determine the role of this variant in disease. Therefore, it has been classified as a Variant of Uncertain Significance.